The following is an entry in ClinVar:

NM_020866.3(KLHL1):c.234A>G (p.Ser78=)

Genes: ATXN8OS (ATXN8 opposite strand lncRNA; plus strand), KLHL1 (kelch like family member 1; minus strand). Cytogenetic location: 13q21.33.
Variant type: single nucleotide variant.
Coding change: c.234A>G on transcript NM_020866.3 (MANE Select); coding-DNA position 234, A replaced by G.
Protein change: p.Ser78=; no amino-acid change (serine 78 retained).
Molecular consequence: synonymous variant. On other transcripts: non-coding transcript variant (2).
Genome position (GRCh38, 1-based): chr13:70,107,466, T>C on the plus strand (A>G on the coding strand, the complement: KLHL1 is on the minus strand). VCF-style: chr13-70107466-T-C. GRCh37 (hg19) VCF-style: chr13-70681598-T-C.
Other names: c.234A>G, p.Ser78= (NM_001286725.2).
Identifiers: ClinVar variation 3059673 (VCV003059673.2), dbSNP rs3751427, ClinGen allele CA6999555.

ClinVar aggregate classification (germline): Benign (0 of 4 stars; one submission).

Conditions:
KLHL1-related disorder. Also called: KLHL1-related condition.

Allele frequency attached by ClinVar (database versions not stated): gnomAD exomes 0.07481; ESP Exome Variant Server 0.10887; ExAC 0.11264; gnomAD 0.12031; TOPMed 0.12487; 1000 Genomes Project 30x 0.16552; 1000 Genomes Project 0.16933.
gnomAD v4.1: 127,779 of 1,613,850 alleles (7.9%); highest among the groups gnomAD compares: East Asian, 35%; 8,263 homozygotes.

Submission:

PreventionGenetics, part of Exact Sciences
Classification: Benign for KLHL1-related condition. Last evaluated: 2019-07-18. Review status: no assertion criteria provided. Collection method: clinical testing. Allele origin: germline.
Comment: This variant is classified as benign based on ACMG/AMP sequence variant interpretation guidelines (Richards et al. 2015 PMID: 25741868, with internal and published modifications).